The following is an entry in ClinVar:

NM_001382273.1(TNK2):c.2660A>T (p.Tyr887Phe)

Gene: TNK2 (tyrosine kinase non receptor 2; minus strand). Cytogenetic location: 3q29.
Variant type: single nucleotide variant.
Coding change: c.2660A>T on transcript NM_001382273.1 (MANE Select); coding-DNA position 2660, A replaced by T.
Protein change: p.Tyr887Phe; replaces tyrosine 887 with phenylalanine.
Molecular consequence: missense variant. On other transcripts: non-coding transcript variant (15).
Genome position (GRCh38, 1-based): chr3:195,867,638, T>A on the plus strand (A>T on the coding strand, the complement: TNK2 is on the minus strand). VCF-style: chr3-195867638-T-A. GRCh37 (hg19) VCF-style: chr3-195594509-T-A.
Other names: c.2732A>T, p.Tyr911Phe (NM_001010938.2, NM_001382272.1); c.2711A>T, p.Tyr904Phe (NM_001308046.2, NM_001382271.1); c.2660A>T, p.Tyr887Phe (NM_001382274.1, NM_001387716.1, NM_001387717.1 and 1 more transcripts); c.2756A>T, p.Tyr919Phe (NM_001382275.1, NM_001387707.1); c.2615A>T, p.Tyr872Phe (NM_001386164.1, NM_001387709.1, NM_001387710.1 and 8 more transcripts); c.2687A>T, p.Tyr896Phe (NM_001387708.1, NM_001387715.1); short protein forms Y896F, Y919F, Y911F, Y872F, Y887F, Y904F.
Identifiers: ClinVar variation 1964070 (VCV001964070.5), dbSNP rs1741806326, ClinGen allele CA355563967.

ClinVar aggregate classification (germline): Uncertain significance (1 of 4 stars; one submission).

Allele frequency attached by ClinVar (database versions not stated): gnomAD exomes below 0.00001; TOPMed below 0.00001.
gnomAD v4.1: 3 of 1,601,944 alleles (0.00019%); highest among the groups gnomAD compares: Non-Finnish European, 0.00025%; no homozygotes.

Submission:

Labcorp Genetics (formerly Invitae), Labcorp
Classification: Uncertain significance. Last evaluated: 2022-03-17. Review status: criteria provided, single submitter. Criteria: Invitae Variant Classification Sherloc (09022015). Collection method: clinical testing. Allele origin: germline.
Comment: This sequence change replaces tyrosine, which is neutral and polar, with phenylalanine, which is neutral and non-polar, at codon 950 of the TNK2 protein (p.Tyr950Phe). This variant is not present in population databases (gnomAD no frequency). This variant has not been reported in the literature in individuals affected with TNK2-related conditions. In summary, the available evidence is currently insufficient to determine the role of this variant in disease. Therefore, it has been classified as a Variant of Uncertain Significance. Algorithms developed to predict the effect of missense changes on protein structure and function are either unavailable or do not agree on the potential impact of this missense change (SIFT: "Tolerated"; PolyPhen-2: "Possibly Damaging"; Align-GVGD: "Class C0").